The following is an entry in ClinVar:

NM_133433.4(NIPBL):c.1262C>T (p.Ser421Leu)

Gene: NIPBL (NIPBL cohesin loading factor; plus strand). Cytogenetic location: 5p13.2.
Variant type: single nucleotide variant.
Coding change: c.1262C>T on transcript NM_133433.4 (MANE Select); coding-DNA position 1262, C replaced by T.
Protein change: p.Ser421Leu; replaces serine 421 with leucine.
Molecular consequence: missense variant.
Genome position (GRCh38, 1-based): chr5:36,976,169, C>T. VCF-style: chr5-36976169-C-T. GRCh37 (hg19) VCF-style: chr5-36976271-C-T.
Other names: c.1262C>T, p.Ser421Leu (NM_015384.5); short protein forms S421L.
Identifiers: ClinVar variation 2204540 (VCV002204540.4), dbSNP rs758313905, ClinGen allele CA3236002.
Genomic context (GRCh38, chr5:36,976,169, plus strand): 5'-CAAAAACACCCATTACTCCACAAGATATAAACCGCCCACTAAATGCTGCTCAATGTTTGT[C>T]GCAGCAAGAACAAACAGCATTCCTTCCAGCAAATCAAGTGCCTGTTTTACAACAGAACAC-3'
Protein context (NP_597677.2, residues 411-431): NRPLNAAQCL[Ser421Leu]QQEQTAFLPA

ClinVar aggregate classification (germline): Conflicting classifications of pathogenicity. Review status: criteria provided, conflicting classifications (1 of 4 stars). 3 submissions from 3 submitters: Uncertain significance (2); Likely benign (1). Last evaluated 2026-01-25.

Conditions:
Inborn genetic diseases. Identifiers: MedGen C0950123, MeSH D030342.
NIPBL-related disorder. Also called: NIPBL-related condition.
Cornelia de Lange syndrome 1 (CDLS1). Also called: TYPUS DEGENERATIVUS AMSTELODAMENSIS; NIPBL-Related Cornelia de Lange Syndrome; Brachmann de Lange syndrome. Identifiers: Orphanet 199, MedGen C4551851, MONDO:0007387, OMIM 122470.

Allele frequency attached by ClinVar (database versions not stated): TOPMed below 0.00001; gnomAD exomes 0.00001; ExAC 0.00002.
gnomAD v4.1: 17 of 1,612,676 alleles (0.0011%); highest among the groups gnomAD compares: South Asian, 0.0044%; no homozygotes.

Submissions (3):

PreventionGenetics, part of Exact Sciences
Classification: Likely benign for NIPBL-related condition. Last evaluated: 2026-01-25. Review status: criteria provided, single submitter. Criteria: ACMG Guidelines, 2015. Collection method: clinical testing. Allele origin: germline.
Comment: This variant is classified as likely benign based on ACMG/AMP sequence variant interpretation guidelines (Richards et al. 2015 PMID: 25741868, with internal and published modifications).

Fulgent Genetics
Classification: Uncertain significance for Cornelia de Lange syndrome 1. Last evaluated: 2024-01-22. Review status: criteria provided, single submitter. Criteria: ACMG Guidelines, 2015. Collection method: clinical testing. Allele origin: germline.

Ambry Genetics
Classification: Uncertain significance for Inborn genetic diseases. Last evaluated: 2022-06-09. Review status: criteria provided, single submitter. Criteria: Ambry Variant Classification Scheme 2023. Collection method: clinical testing. Allele origin: germline.